The following is an entry in ClinVar:

ClinVar aggregate classification (germline): Uncertain significance (1 of 4 stars; one submission).

Submission:

Labcorp Genetics (formerly Invitae), Labcorp
Classification: Uncertain significance. Last evaluated: 2024-10-27. Review status: criteria provided, single submitter. Criteria: Invitae Variant Classification Sherloc (09022015). Collection method: clinical testing. Allele origin: germline.
Comment: This sequence change replaces valine, which is neutral and non-polar, with alanine, which is neutral and non-polar, at codon 549 of the RERE protein (p.Val549Ala). This variant is not present in population databases (gnomAD no frequency). This variant has not been reported in the literature in individuals affected with RERE-related conditions. Invitae Evidence Modeling of protein sequence and biophysical properties (such as structural, functional, and spatial information, amino acid conservation, physicochemical variation, residue mobility, and thermodynamic stability) has been performed for this missense variant. However, the output from this modeling did not meet the statistical confidence thresholds required to predict the impact of this variant on RERE protein function. In summary, the available evidence is currently insufficient to determine the role of this variant in disease. Therefore, it has been classified as a Variant of Uncertain Significance.

NM_001042681.2(RERE):c.1646T>C (p.Val549Ala)

Gene: RERE (arginine-glutamic acid dipeptide repeats; minus strand). Cytogenetic location: 1p36.23.
Variant type: single nucleotide variant.
Coding change: c.1646T>C on transcript NM_001042681.2 (MANE Select); coding-DNA position 1646, T replaced by C.
Protein change: p.Val549Ala; replaces valine 549 with alanine.
Molecular consequence: missense variant. On other transcripts: 5 prime UTR variant (1).
Genome position (GRCh38, 1-based): chr1:8,364,150, A>G on the plus strand (T>C on the coding strand, the complement: RERE is on the minus strand). VCF-style: chr1-8364150-A-G. GRCh37 (hg19) VCF-style: chr1-8424210-A-G.
Other names: c.-17T>C (NM_001042682.2); c.1646T>C, p.Val549Ala (NM_012102.4); short protein forms V549A.
Identifiers: ClinVar variation 3633459 (VCV003633459.2).